The following is an entry in ClinVar:

NM_017565.4(FAM20A):c.712C>T (p.Pro238Ser)

Gene: FAM20A (FAM20A golgi associated secretory pathway pseudokinase; minus strand). Cytogenetic location: 17q24.2.
Variant type: single nucleotide variant.
Coding change: c.712C>T on transcript NM_017565.4 (MANE Select); coding-DNA position 712, C replaced by T.
Protein change: p.Pro238Ser; replaces proline 238 with serine.
Molecular consequence: missense variant. On other transcripts: non-coding transcript variant (1).
Genome position (GRCh38, 1-based): chr17:68,551,880, G>A on the plus strand (C>T on the coding strand, the complement: FAM20A is on the minus strand). VCF-style: chr17-68551880-G-A. GRCh37 (hg19) VCF-style: chr17-66548021-G-A.
Other names: c.298C>T, p.Pro100Ser (NM_001243746.2); short protein forms P100S, P238S.
Identifiers: ClinVar variation 3047779 (VCV003047779.2), dbSNP rs1298951116, ClinGen allele CA400761379.

ClinVar aggregate classification (germline): Uncertain significance (0 of 4 stars; one submission).

Conditions:
FAM20A-related disorder. Also called: FAM20A-related condition.

Allele frequency attached by ClinVar (database versions not stated): gnomAD exomes below 0.00001; TOPMed below 0.00001.
gnomAD v4.1: 1 of 1,582,068 alleles (0.000063%); highest among the groups gnomAD compares: Non-Finnish European, 0.000086%; no homozygotes.

Submission:

PreventionGenetics, part of Exact Sciences
Classification: Uncertain significance for FAM20A-related condition. Last evaluated: 2023-11-30. Review status: no assertion criteria provided. Collection method: clinical testing. Allele origin: germline.
Comment: The FAM20A c.712C>T variant is predicted to result in the amino acid substitution p.Pro238Ser. To our knowledge, this variant has not been reported in the literature. This variant is reported in 0.0012% of alleles in individuals of European (Non-Finnish) descent in gnomAD. At this time, the clinical significance of this variant is uncertain due to the absence of conclusive functional and genetic evidence.